The following is an entry in ClinVar:

NM_001378778.1(MPDZ):c.4891G>A (p.Glu1631Lys)

Gene: MPDZ (multiple PDZ domain crumbs cell polarity complex component; minus strand). Cytogenetic location: 9p23.
Variant type: single nucleotide variant.
Coding change: c.4891G>A on transcript NM_001378778.1 (MANE Select); coding-DNA position 4891, G replaced by A.
Protein change: p.Glu1631Lys; replaces glutamic acid 1631 with lysine.
Molecular consequence: missense variant.
Genome position (GRCh38, 1-based): chr9:13,123,215, C>T on the plus strand (G>A on the coding strand, the complement: MPDZ is on the minus strand). VCF-style: chr9-13123215-C-T. GRCh37 (hg19) VCF-style: chr9-13123214-C-T.
Other names: c.4792G>A, p.Glu1598Lys (NM_001261406.2, NM_001261407.2, NM_001375416.1 and 3 more transcripts); c.4891G>A, p.Glu1631Lys (NM_001330637.2, NM_003829.5); c.4990G>A, p.Glu1664Lys (NM_001375413.1); c.4681G>A, p.Glu1561Lys (NM_001375420.1, NM_001375421.1, NM_001375422.1 and 4 more transcripts); c.4483G>A, p.Glu1495Lys (NM_001375427.1); short protein forms E1631K, E1664K, E1495K, E1561K, E1598K.
Identifiers: ClinVar variation 1976066 (VCV001976066.4), dbSNP rs768803387, ClinGen allele CA4986535.

ClinVar aggregate classification (germline): Uncertain significance (1 of 4 stars; one submission).

gnomAD v4.1: 22 of 1,613,352 alleles (0.0014%); highest among the groups gnomAD compares: Admixed American, 0.01%; no homozygotes.

Submission:

Labcorp Genetics (formerly Invitae), Labcorp
Classification: Uncertain significance. Last evaluated: 2023-07-12. Review status: criteria provided, single submitter. Criteria: Invitae Variant Classification Sherloc (09022015). Collection method: clinical testing. Allele origin: germline.
Comment: In summary, the available evidence is currently insufficient to determine the role of this variant in disease. Therefore, it has been classified as a Variant of Uncertain Significance. An algorithm developed to predict the effect of missense changes on protein structure and function (PolyPhen-2) suggests that this variant is likely to be disruptive. ClinVar contains an entry for this variant (Variation ID: 1976066). This variant has not been reported in the literature in individuals affected with MPDZ-related conditions. This variant is present in population databases (rs768803387, gnomAD 0.01%). This sequence change replaces glutamic acid, which is acidic and polar, with lysine, which is basic and polar, at codon 1631 of the MPDZ protein (p.Glu1631Lys).